The following is an entry in ClinVar:

ClinVar aggregate classification (germline): Likely benign. Review status: criteria provided, multiple submitters, no conflicts (2 of 4 stars). 3 submissions from 3 submitters: Likely benign (2). 1 of the submissions does not count toward it. Last evaluated 2025-12-19.

Conditions:
Inborn genetic diseases. Identifiers: MedGen C0950123, MeSH D030342.
WDR73-related disorder. Also called: WDR73-related condition; WDR73-related disorders.

Allele frequency attached by ClinVar (database versions not stated): 1000 Genomes Project 0.00020; TOPMed 0.00120; ESP Exome Variant Server 0.00122; gnomAD 0.00150.

Submissions (3):

Labcorp Genetics (formerly Invitae), Labcorp
Classification: Likely benign. Last evaluated: 2025-12-19. Review status: criteria provided, single submitter. Criteria: Invitae Variant Classification Sherloc (09022015). Collection method: clinical testing. Allele origin: germline.

Ambry Genetics
Classification: Likely benign for Inborn genetic diseases. Last evaluated: 2025-10-17. Review status: criteria provided, single submitter. Criteria: Ambry Variant Classification Scheme 2023. Collection method: clinical testing. Allele origin: germline.

PreventionGenetics, part of Exact Sciences
Classification: Likely benign for WDR73-related condition. Last evaluated: 2022-12-19. Review status: no assertion criteria provided. Collection method: clinical testing. Allele origin: germline. Not counted in ClinVar's aggregate classification.
Comment: This variant is classified as likely benign based on ACMG/AMP sequence variant interpretation guidelines (Richards et al. 2015 PMID: 25741868, with internal and published modifications).

NM_032856.5(WDR73):c.928G>A (p.Gly310Arg)

Gene: WDR73 (WD repeat domain 73; minus strand). Cytogenetic location: 15q25.2.
Variant type: single nucleotide variant.
Coding change: c.928G>A on transcript NM_032856.5 (MANE Select); coding-DNA position 928, G replaced by A.
Protein change: p.Gly310Arg; replaces glycine 310 with arginine.
Molecular consequence: missense variant. On other transcripts: non-coding transcript variant (4).
Genome position (GRCh38, 1-based): chr15:84,643,679, C>T on the plus strand (G>A on the coding strand, the complement: WDR73 is on the minus strand). VCF-style: chr15-84643679-C-T. GRCh37 (hg19) VCF-style: chr15-85186910-C-T.
Other names: c.928G>A (NM_032856.2); short protein forms G310R.
Identifiers: ClinVar variation 785506 (VCV000785506.12), dbSNP rs201608269, ClinGen allele CA7707193.
Genomic context (GRCh38, chr15:84,643,679, plus strand): 5'-GACCTCTGTGAGTGAAGAGAGGTTCTACTTGGCTCCGTGTTCCATCTTGGCTCCGTGTTC[C>T]ATCCCAAGATGTGGCATCATAGACCTGGACTGTACCATCAAAACCTGAGAATACAGAAAA-3'
Protein context (NP_116245.2, residues 300-320): VQVYDATSWD[Gly310Arg]TRSQDGTRSQ